The following is an entry in ClinVar:

NM_007294.4(BRCA1):c.5193+28A>T

Gene: BRCA1 (BRCA1 DNA repair associated; minus strand). Cytogenetic location: 17q21.31.
Variant type: single nucleotide variant.
Coding change: c.5193+28A>T on transcript NM_007294.4 (MANE Select); 28 bases into the intron after coding-DNA position 5193, A replaced by T.
Molecular consequence: intron variant.
Genome position (GRCh38, 1-based): chr17:43,063,305, T>A on the plus strand (A>T on the coding strand, the complement: BRCA1 is on the minus strand). VCF-style: chr17-43063305-T-A. GRCh37 (hg19) VCF-style: chr17-41215322-T-A.
Other names: c.5184+28A>T (NM_001407644.1, NM_001407645.1); c.5187+28A>T (NM_001407627.1, NM_001407861.1, NM_001407635.1 and 14 more transcripts); c.5190+28A>T (NM_001407614.1, NM_001407626.1, NM_001407617.1 and 17 more transcripts); c.5256+28A>T (NM_001407587.1, NM_001407585.1, NM_007300.4 and 1 more transcripts); c.1644+28A>T (NM_001408494.1); c.1758+28A>T (NM_001408444.1, NM_001408438.1, NM_001408432.1 and 10 more transcripts); c.1761+28A>T (NM_001408430.1, NM_001408427.1, NM_001408431.1 and 4 more transcripts); c.5064+28A>T (NM_001407682.1, NM_001407689.1, NM_001407681.1 and 6 more transcripts); and 72 more.
Identifiers: ClinVar variation 865140 (VCV000865140.3), dbSNP rs1440184813, ClinGen allele CA916079977.

Conditions:
Breast-ovarian cancer, familial, susceptibility to, 1 (BROVCA1). Also called: BRCA1 Hereditary Breast and Ovarian Cancer; OVARIAN CANCER, SUSCEPTIBILITY TO. Identifiers: Orphanet 145, MedGen C2676676, MONDO:0011450, OMIM 604370. Disease mechanism: loss of function.

Submission:

Brotman Baty Institute, University of Washington
No classification provided (evidence only). Condition: Breast-ovarian cancer, familial 1. Review status: no classification provided. Collection method: in vitro. Allele origin: not applicable. Functional consequence: functionally_normal.
ClinVar note: "not provided" was previously submitted as the classification for the variant. However, the classification appeared to be based only on an observation of functional data so it was converted to no classification on 2025-07-30.